The following is an entry in ClinVar:

ClinVar aggregate classification (germline): Pathogenic/Likely pathogenic. Review status: criteria provided, multiple submitters, no conflicts (2 of 4 stars). 2 submissions from 2 submitters: Pathogenic (1); Likely pathogenic (1). Last evaluated 2025-07-17.

Conditions:
Alstrom syndrome (ALMS). Identifiers: Orphanet 64, MedGen C0268425, MONDO:0008763, OMIM 203800.

Submissions (2):

Natera, Inc.
Classification: Likely pathogenic for Alstrom syndrome. Last evaluated: 2025-07-17. Review status: criteria provided, single submitter. Criteria: Natera Variant Classification Schema (03/2026). Collection method: clinical testing. Allele origin: germline.
Comment: The c.12208C>T variant in ALMS1 is a nonsense variant predicted to introduce a stop codon at amino acid 4070. This variant is expected to result in nonsense mediated decay, truncation, or a dysfunctional protein product. This variant is rare in the general population with a frequency below the threshold expected for the associated phenotype(s). Given the available evidence, this variant is classified as Likely Pathogenic.

GeneDx
Classification: Pathogenic. Last evaluated: 2018-10-05. Review status: criteria provided, single submitter. Criteria: GeneDx Variant Classification (06012015). Collection method: clinical testing. Allele origin: germline. Affected: yes.
Comment: The Q4070X variant in the ALMS1 gene has been not been reported previously as a pathogenic variant nor as a benign variant, to our knowledge. This variant is predicted to cause loss of normal protein function either through protein truncation or nonsense-mediated mRNA decay. The Q4070X variant is not observed in large population cohorts (Lek et al., 2016). We interpret Q4070X as a pathogenic variant.

NM_001378454.1(ALMS1):c.12205C>T (p.Gln4069Ter)

Genes: ALMS1 (ALMS1 centrosome and basal body associated protein; plus strand), LOC126806252 (BRD4-independent group 4 enhancer GRCh37_chr2:73828496-73829695; plus strand). Cytogenetic location: 2p13.1.
Variant type: single nucleotide variant.
Coding change: c.12205C>T on transcript NM_001378454.1 (MANE Select); coding-DNA position 12205, C replaced by T.
Protein change: p.Gln4069Ter; replaces glutamine 4069 with a stop codon.
Molecular consequence: nonsense.
Genome position (GRCh38, 1-based): chr2:73,602,275, C>T. VCF-style: chr2-73602275-C-T. GRCh37 (hg19) VCF-style: chr2-73829402-C-T.
Other names: c.12208C>T, p.Gln4070Ter (NM_015120.4); short protein forms Q4070*, Q4069*.
Identifiers: ClinVar variation 620395 (VCV000620395.2), dbSNP rs1558712413, ClinGen allele CA347268122.